The following is an entry in ClinVar:

ClinVar aggregate classification (germline): Uncertain significance. Review status: criteria provided, multiple submitters, no conflicts (2 of 4 stars). 2 submissions from 2 submitters: Uncertain significance (2). Last evaluated 2024-05-26.

Conditions:
Familial adenomatous polyposis 1 (FAP1). Also called: POLYPOSIS, ADENOMATOUS INTESTINAL; FAMILIAL ADENOMATOUS POLYPOSIS 1, ATTENUATED. Identifiers: MedGen C2713442, MONDO:0021056, OMIM 175100. Disease mechanism: loss of function.

Allele frequency attached by ClinVar (database versions not stated): gnomAD exomes below 0.00001.
gnomAD v4.1: 1 of 1,614,050 alleles (0.000062%); highest among the groups gnomAD compares: Non-Finnish European, 0.000085%; no homozygotes.

Submissions (2):

Labcorp Genetics (formerly Invitae), Labcorp
Classification: Uncertain significance for Familial adenomatous polyposis 1. Last evaluated: 2024-05-26. Review status: criteria provided, single submitter. Criteria: Invitae Variant Classification Sherloc (09022015). Collection method: clinical testing. Allele origin: germline.
Comment: This sequence change replaces glutamic acid, which is acidic and polar, with glutamine, which is neutral and polar, at codon 761 of the APC protein (p.Glu761Gln). This variant is not present in population databases (gnomAD no frequency). This variant has not been reported in the literature in individuals affected with APC-related conditions. ClinVar contains an entry for this variant (Variation ID: 802138). Advanced modeling of protein sequence and biophysical properties (such as structural, functional, and spatial information, amino acid conservation, physicochemical variation, residue mobility, and thermodynamic stability) performed at Invitae indicates that this missense variant is not expected to disrupt APC protein function with a negative predictive value of 95%. In summary, the available evidence is currently insufficient to determine the role of this variant in disease. Therefore, it has been classified as a Variant of Uncertain Significance.

Mendelics
Classification: Uncertain significance for Familial adenomatous polyposis 1. Last evaluated: 2019-05-28. Review status: criteria provided, single submitter. Criteria: Mendelics Assertion Criteria 2017. Collection method: clinical testing. Allele origin: unknown.

NM_000038.6(APC):c.2281G>C (p.Glu761Gln)

Gene: APC (APC regulator of Wnt signaling pathway; plus strand). Cytogenetic location: 5q22.2.
Variant type: single nucleotide variant.
Coding change: c.2281G>C on transcript NM_000038.6 (MANE Select); coding-DNA position 2281, G replaced by C.
Protein change: p.Glu761Gln; replaces glutamic acid 761 with glutamine.
Molecular consequence: missense variant.
Genome position (GRCh38, 1-based): chr5:112,837,875, G>C. VCF-style: chr5-112837875-G-C. GRCh37 (hg19) VCF-style: chr5-112173572-G-C.
Other names: c.2281G>C, p.Glu761Gln (NM_001127510.3, NM_001354895.2); c.2227G>C, p.Glu743Gln (NM_001127511.3); c.2335G>C, p.Glu779Gln (NM_001354896.2); c.2311G>C, p.Glu771Gln (NM_001354897.2); c.2206G>C, p.Glu736Gln (NM_001354898.2); c.2197G>C, p.Glu733Gln (NM_001354899.2); c.2158G>C, p.Glu720Gln (NM_001354900.2); c.2104G>C, p.Glu702Gln (NM_001354901.2); and 5 more; short protein forms E670Q, E601Q, E660Q, E771Q, E635Q, E720Q, E736Q, E478Q.
Identifiers: ClinVar variation 802138 (VCV000802138.3), dbSNP rs1580620124, ClinGen allele CA16026327.
Genomic context (GRCh38, chr5:112,837,875, plus strand): 5'-AATATTATGTCTCCTGGCTCAAGCTTGCCATCTCTTCATGTTAGGAAACAAAAAGCCCTA[G>C]AAGCAGAATTAGATGCTCAGCACTTATCAGAAACTTTTGACAATATAGACAATTTAAGTC-3'
Protein context (NP_000029.2, residues 751-771): SLHVRKQKAL[Glu761Gln]AELDAQHLSE